The following is an entry in ClinVar:

NM_000545.8(HNF1A):c.1497C>A (p.Pro499=)

Gene: HNF1A (HNF1 homeobox A; plus strand). Cytogenetic location: 12q24.31.
Variant type: single nucleotide variant.
Coding change: c.1497C>A on transcript NM_000545.8 (MANE Select); coding-DNA position 1497, C replaced by A.
Protein change: p.Pro499=; no amino-acid change (proline 499 retained).
Molecular consequence: synonymous variant. On other transcripts: intron variant (1).
Genome position (GRCh38, 1-based): chr12:120,997,661, C>A. VCF-style: chr12-120997661-C-A. GRCh37 (hg19) VCF-style: chr12-121435464-C-A.
Other names: c.1497C>A (NM_000545.6); c.1497C>A, p.Pro499= (NM_001306179.2); c.1309+919C>A (NM_001406915.1).
Identifiers: ClinVar variation 2979736 (VCV002979736.5), dbSNP rs373577529, ClinGen allele CA6832057.

ClinVar aggregate classification (germline): Likely benign. Review status: criteria provided, single submitter (1 of 4 stars). 2 submissions from 2 submitters: Likely benign (1). 1 of the submissions does not count toward it. Last evaluated 2023-03-03.

Conditions:
HNF1A-related disorder. Also called: HNF1A-related condition.

Allele frequency attached by ClinVar (database versions not stated): gnomAD exomes below 0.00001; ExAC 0.00002; TOPMed 0.00002; ESP Exome Variant Server 0.00008.

Submissions (2):

Labcorp Genetics (formerly Invitae), Labcorp
Classification: Likely benign. Last evaluated: 2023-03-03. Review status: criteria provided, single submitter. Criteria: Invitae Variant Classification Sherloc (09022015). Collection method: clinical testing. Allele origin: germline.

PreventionGenetics, part of Exact Sciences
Classification: Likely benign for HNF1A-related condition. Last evaluated: 2020-11-24. Review status: no assertion criteria provided. Collection method: clinical testing. Allele origin: germline. Not counted in ClinVar's aggregate classification.
Comment: This variant is classified as likely benign based on ACMG/AMP sequence variant interpretation guidelines (Richards et al. 2015 PMID: 25741868, with internal and published modifications).